The following is an entry in ClinVar:

ClinVar aggregate classification (germline): Uncertain significance (1 of 4 stars; one submission).

Conditions:
Sulfite oxidase deficiency due to molybdenum cofactor deficiency type C. Also called: Molybdenum cofactor deficiency, complementation group C; Molybdenum cofactor deficiency C. Identifiers: Orphanet 308400, Orphanet 833, MedGen C1854990, MONDO:0014212, OMIM 615501.

Allele frequency attached by ClinVar (database versions not stated): gnomAD 0.00001; ExAC 0.00002; gnomAD exomes 0.00002.
gnomAD v4.1: 32 of 1,613,500 alleles (0.002%); highest among the groups gnomAD compares: Non-Finnish European, 0.0025%; no homozygotes.

Submission:

Labcorp Genetics (formerly Invitae), Labcorp
Classification: Uncertain significance for Sulfite oxidase deficiency due to molybdenum cofactor deficiency type C. Last evaluated: 2024-04-15. Review status: criteria provided, single submitter. Criteria: Invitae Variant Classification Sherloc (09022015). Collection method: clinical testing. Allele origin: germline.
Comment: This sequence change affects codon 491 of the GPHN mRNA. It is a 'silent' change, meaning that it does not change the encoded amino acid sequence of the GPHN protein. It affects a nucleotide within the consensus splice site. This variant is present in population databases (rs760720975, gnomAD 0.005%). This variant has not been reported in the literature in individuals affected with GPHN-related conditions. Algorithms developed to predict the effect of sequence changes on RNA splicing suggest that this variant is not likely to affect RNA splicing. In summary, the available evidence is currently insufficient to determine the role of this variant in disease. Therefore, it has been classified as a Variant of Uncertain Significance.

NM_020806.5(GPHN):c.1473A>G (p.Arg491=)

Gene: GPHN (gephyrin; plus strand). Cytogenetic location: 14q23.3.
Variant type: single nucleotide variant.
Coding change: c.1473A>G on transcript NM_020806.5 (MANE Select); coding-DNA position 1473, A replaced by G.
Protein change: p.Arg491=; no amino-acid change (arginine 491 retained).
Molecular consequence: synonymous variant.
Genome position (GRCh38, 1-based): chr14:67,113,018, A>G. VCF-style: chr14-67113018-A-G. GRCh37 (hg19) VCF-style: chr14-67579735-A-G.
Other names: c.1374A>G, p.Arg458= (NM_001024218.2); c.1533A>G, p.Arg511= (NM_001377514.1); c.1503A>G, p.Arg501= (NM_001377515.1); c.1494A>G, p.Arg498= (NM_001377516.1); c.1446A>G, p.Arg482= (NM_001377517.1); c.1431A>G, p.Arg477= (NM_001377518.1); c.1413A>G, p.Arg471= (NM_001377519.1).
Identifiers: ClinVar variation 2731973 (VCV002731973.3), dbSNP rs760720975, ClinGen allele CA7234109.